The following is an entry in ClinVar:

NM_001376.5(DYNC1H1):c.11690+14C>G

Gene: DYNC1H1 (dynein cytoplasmic 1 heavy chain 1; plus strand). Cytogenetic location: 14q32.31.
Variant type: single nucleotide variant.
Coding change: c.11690+14C>G on transcript NM_001376.5 (MANE Select); 14 bases into the intron after coding-DNA position 11690, C replaced by G.
Molecular consequence: intron variant.
Genome position (GRCh38, 1-based): chr14:102,039,746, C>G. VCF-style: chr14-102039746-C-G. GRCh37 (hg19) VCF-style: chr14-102506083-C-G.
Identifiers: ClinVar variation 515276 (VCV000515276.8), dbSNP rs762481812, ClinGen allele CA616354976.

ClinVar aggregate classification (germline): Likely benign. Review status: criteria provided, multiple submitters, no conflicts (2 of 4 stars). 2 submissions from 2 submitters: Likely benign (2). Last evaluated 2025-08-13.

Conditions:
Charcot-Marie-Tooth disease axonal type 2O. Also called: Charcot-Marie-Tooth disease, axonal, type 20; CHARCOT-MARIE-TOOTH NEUROPATHY, AXONAL, TYPE 2O; CHARCOT-MARIE-TOOTH DISEASE, AXONAL, AUTOSOMAL DOMINANT, TYPE 2O; Charcot-Marie-Tooth Neuropathy Type 2O. Identifiers: Orphanet 284232, MedGen C3280220, MONDO:0013644, OMIM 614228.

gnomAD v4.1: 7 of 1,614,080 alleles (0.00043%); highest among the groups gnomAD compares: Admixed American, 0.0067%; no homozygotes.

Submissions (2):

Labcorp Genetics (formerly Invitae), Labcorp
Classification: Likely benign for Charcot-Marie-Tooth disease axonal type 2O. Last evaluated: 2025-08-13. Review status: criteria provided, single submitter. Criteria: Invitae Variant Classification Sherloc (09022015). Collection method: clinical testing. Allele origin: germline.

GeneDx
Classification: Likely benign. Last evaluated: 2018-02-06. Review status: criteria provided, single submitter. Criteria: GeneDx Variant Classification (06012015). Collection method: clinical testing. Allele origin: germline. Affected: yes.
Comment: This variant is considered likely benign or benign based on one or more of the following criteria: it is a conservative change, it occurs at a poorly conserved position in the protein, it is predicted to be benign by multiple in silico algorithms, and/or has population frequency not consistent with disease.